The following is an entry in ClinVar:

ClinVar aggregate classification (germline): Uncertain significance (1 of 4 stars; one submission).

Conditions:
Glycogen storage disease due to muscle beta-enolase deficiency (GSD13). Also called: Glycogen Storage Disease Type XIII; ENOLASE 3 DEFICIENCY; ENOLASE-BETA DEFICIENCY; GSD XIII. Identifiers: Orphanet 99849, MedGen C2752027, MONDO:0013046, OMIM 612932.

Allele frequency attached by ClinVar (database versions not stated): ExAC 0.00002; gnomAD exomes 0.00002; TOPMed 0.00002.
gnomAD v4.1: 23 of 1,614,174 alleles (0.0014%); highest among the groups gnomAD compares: African/African-American, 0.0027%; no homozygotes.

Submission:

Labcorp Genetics (formerly Invitae), Labcorp
Classification: Uncertain significance for Glycogen storage disease due to muscle beta-enolase deficiency. Last evaluated: 2024-05-07. Review status: criteria provided, single submitter. Criteria: Invitae Variant Classification Sherloc (09022015). Collection method: clinical testing. Allele origin: germline.
Comment: This sequence change replaces arginine, which is basic and polar, with histidine, which is basic and polar, at codon 429 of the ENO3 protein (p.Arg429His). This variant is present in population databases (rs751330459, gnomAD 0.02%). This missense change has been observed in individual(s) with unspecified neurodevelopmental disorder but a second variant was not observed (PMID: 33004838). This variant is also known as c.1313G>A. ClinVar contains an entry for this variant (Variation ID: 2180354). An algorithm developed to predict the effect of missense changes on protein structure and function (PolyPhen-2) suggests that this variant is likely to be disruptive. In summary, the available evidence is currently insufficient to determine the role of this variant in disease. Therefore, it has been classified as a Variant of Uncertain Significance.

Literature cited by the submitters: PubMed 33004838.

NM_053013.4(ENO3):c.1286G>A (p.Arg429His)

Gene: ENO3 (enolase 3; plus strand). Cytogenetic location: 17p13.2.
Variant type: single nucleotide variant.
Coding change: c.1286G>A on transcript NM_053013.4 (MANE Select); coding-DNA position 1286, G replaced by A.
Protein change: p.Arg429His; replaces arginine 429 with histidine.
Molecular consequence: missense variant.
Genome position (GRCh38, 1-based): chr17:4,957,028, G>A. VCF-style: chr17-4957028-G-A. GRCh37 (hg19) VCF-style: chr17-4860323-G-A.
Other names: c.1157G>A, p.Arg386His (NM_001193503.2); c.1286G>A, p.Arg429His (NM_001374523.1, NM_001976.5); c.1313G>A, p.Arg438His (NM_001374524.1); short protein forms R386H, R429H, R438H.
Identifiers: ClinVar variation 2180354 (VCV002180354.2), dbSNP rs751330459, ClinGen allele CA8316638.